The following is an entry in ClinVar:

NM_001369.3(DNAH5):c.5107C>A (p.Leu1703Ile)

Gene: DNAH5 (dynein axonemal heavy chain 5; minus strand). Cytogenetic location: 5p15.2.
Variant type: single nucleotide variant.
Coding change: c.5107C>A on transcript NM_001369.3 (MANE Select); coding-DNA position 5107, C replaced by A.
Protein change: p.Leu1703Ile; replaces leucine 1703 with isoleucine.
Molecular consequence: missense variant.
Genome position (GRCh38, 1-based): chr5:13,850,659, G>T on the plus strand (C>A on the coding strand, the complement: DNAH5 is on the minus strand). VCF-style: chr5-13850659-G-T. GRCh37 (hg19) VCF-style: chr5-13850768-G-T.
Other names: short protein forms L1703I.
Identifiers: ClinVar variation 4779326 (VCV004779326.1).

ClinVar aggregate classification (germline): Uncertain significance (1 of 4 stars; one submission).

Conditions:
Primary ciliary dyskinesia. Also called: Ciliary dyskinesia. Identifiers: Orphanet 244, MedGen C0008780, MONDO:0016575, HP:0012265.

gnomAD v4.1: 2 of 1,613,872 alleles (0.00012%); highest among the groups gnomAD compares: Non-Finnish European, 0.00017%; no homozygotes.

Submission:

Labcorp Genetics (formerly Invitae), Labcorp
Classification: Uncertain significance for Primary ciliary dyskinesia. Last evaluated: 2025-05-06. Review status: criteria provided, single submitter. Criteria: Invitae Variant Classification Sherloc (09022015). Collection method: clinical testing. Allele origin: germline.
Comment: This sequence change replaces leucine, which is neutral and non-polar, with isoleucine, which is neutral and non-polar, at codon 1703 of the DNAH5 protein (p.Leu1703Ile). This variant is not present in population databases (gnomAD no frequency). This variant has not been reported in the literature in individuals affected with DNAH5-related conditions. Invitae Evidence Modeling of protein sequence and biophysical properties (such as structural, functional, and spatial information, amino acid conservation, physicochemical variation, residue mobility, and thermodynamic stability) indicates that this missense variant is expected to disrupt DNAH5 protein function with a positive predictive value of 80%. In summary, the available evidence is currently insufficient to determine the role of this variant in disease. Therefore, it has been classified as a Variant of Uncertain Significance.